The following is an entry in ClinVar:

ClinVar aggregate classification (germline): Benign/Likely benign. Review status: criteria provided, multiple submitters, no conflicts (2 of 4 stars). 8 submissions from 8 submitters: Benign (4); Likely benign (4). Last evaluated 2026-01-28.

Conditions:
Marfan syndrome (MFS). Also called: Marfan syndrome, classic; Marfan syndrome type 1; Marfan's syndrome; MARFAN SYNDROME, TYPE I; FBN1-Related Marfan Syndrome. Identifiers: Orphanet 284963, Orphanet 558, MedGen C0024796, MONDO:0007947, OMIM 154700.
Familial thoracic aortic aneurysm and aortic dissection (TAAD). Also called: Thoracic aortic aneurysms and dissections. Identifiers: Orphanet 91387, MedGen C4707243, MONDO:0019625.

Allele frequency attached by ClinVar (database versions not stated): TOPMed 0.00021; gnomAD exomes 0.00035 and 0.00010; ExAC 0.00036; 1000 Genomes Project 0.00140; gnomAD 0.00016 and 0.00010; 1000 Genomes Project 30x 0.00125.
gnomAD v4.1: 165 of 1,614,114 alleles (0.01%); highest among the groups gnomAD compares: East Asian, 0.2%; 1 homozygote.

Submissions (8):

Labcorp Genetics (formerly Invitae), Labcorp
Classification: Benign for Marfan syndrome; Familial thoracic aortic aneurysm and aortic dissection. Last evaluated: 2026-01-28. Review status: criteria provided, single submitter. Criteria: Invitae Variant Classification Sherloc (09022015). Collection method: clinical testing. Allele origin: germline.

Blueprint Genetics
Classification: Likely benign. Last evaluated: 2024-03-05. Review status: criteria provided, single submitter. Criteria: ACMG Guidelines, 2015. Collection method: clinical testing. Allele origin: germline.

All of Us Research Program, National Institutes of Health
Classification: Benign for Marfan syndrome. Last evaluated: 2023-12-18. Review status: criteria provided, single submitter. Criteria: ACMG Guidelines, 2015. Collection method: clinical testing. Allele origin: germline. Inheritance: Autosomal dominant inheritance. Observed: 25 variant alleles, 25 heterozygotes.
Comment: This study involves interpretation of variants in research participants for the purpose of population health screening. Participant phenotype was not available at the time of variant classification. Additional details can be found in publication PMID: 35346344, PMCID: PMC8962531

GeneDx
Classification: Likely benign. Last evaluated: 2019-05-23. Review status: criteria provided, single submitter. Criteria: GeneDx Variant Classification Process June 2021. Collection method: clinical testing. Allele origin: germline. Affected: yes.

Ambry Genetics
Classification: Likely benign for Familial thoracic aortic aneurysm and aortic dissection. Last evaluated: 2019-01-23. Review status: criteria provided, single submitter. Criteria: Ambry Variant Classification Scheme 2023. Collection method: clinical testing. Allele origin: germline.

Color Diagnostics, LLC DBA Color Health
Classification: Benign for Familial thoracic aortic aneurysm and aortic dissection. Last evaluated: 2018-11-03. Review status: criteria provided, single submitter. Criteria: ACMG Guidelines, 2015. Collection method: clinical testing. Allele origin: germline.

Eurofins Ntd Llc (ga)
Classification: Likely benign. Last evaluated: 2018-02-14. Review status: criteria provided, single submitter. Criteria: EGL ClinVar v180209 classification definitions. Collection method: clinical testing. Allele origin: germline. Observed: 1 variant allele, 1 heterozygote.

Women's Health and Genetics/Laboratory Corporation of America, LabCorp
Classification: Benign. Last evaluated: 2016-07-15. Review status: criteria provided, single submitter. Criteria: LabCorp Variant Classification Summary - May 2015. Collection method: clinical testing. Allele origin: germline.
Comment: Variant summary: The FBN1 c.2892C>T (p.Asp964Asp) variant involves the alteration of a non-conserved nucleotide located in TB domain, resulting in a synonymous change. One in silico tool predicts a damaging outcome for this variant. 5/5 splice prediction tools predict no significant impact on normal splicing. ESE finder predicts that this variant may affect multiple ESE sites. However, these predictions have yet to be confirmed by functional studies. This variant was found in 44/120976 control chromosomes, predominantly observed in the East Asian subpopulation at a frequency of 0.0037011 (32/8646). This frequency is about 33 times the estimated maximal expected allele frequency of a pathogenic FBN1 variant (0.0001125), suggesting this is likely a benign polymorphism found primarily in the populations of East Asian origin. Taken together, this variant is classified as benign.

Literature cited by the submitters: PubMed 19839986 (cited by Women's Health and Genetics/Laboratory Corporation of America, LabCorp).

NM_000138.5(FBN1):c.2892C>T (p.Asp964=)

Gene: FBN1 (fibrillin 1; minus strand). Cytogenetic location: 15q21.1.
Variant type: single nucleotide variant.
Coding change: c.2892C>T on transcript NM_000138.5 (MANE Select); coding-DNA position 2892, C replaced by T.
Protein change: p.Asp964=; no amino-acid change (aspartic acid 964 retained).
Molecular consequence: synonymous variant.
Genome position (GRCh38, 1-based): chr15:48,490,041, G>A on the plus strand (C>T on the coding strand, the complement: FBN1 is on the minus strand). VCF-style: chr15-48490041-G-A. GRCh37 (hg19) VCF-style: chr15-48782238-G-A.
Identifiers: ClinVar variation 413890 (VCV000413890.24), dbSNP rs116945525, ClinGen allele CA049204.